The following is an entry in ClinVar:

ClinVar aggregate classification (germline): Likely benign. Review status: criteria provided, multiple submitters, no conflicts (2 of 4 stars). 3 submissions from 3 submitters: Likely benign (2). 1 of the submissions does not count toward it. Last evaluated 2025-04-26.

Conditions:
CNGB1-related disorder. Also called: CNGB1-related condition.

Allele frequency attached by ClinVar (database versions not stated): gnomAD exomes 0.00001 and 0.00002; TOPMed 0.00001; ExAC 0.00003.

Submissions (3):

Labcorp Genetics (formerly Invitae), Labcorp
Classification: Likely benign. Last evaluated: 2025-04-26. Review status: criteria provided, single submitter. Criteria: Invitae Variant Classification Sherloc (09022015). Collection method: clinical testing. Allele origin: germline.

Blueprint Genetics
Classification: Likely benign. Last evaluated: 2021-10-07. Review status: criteria provided, single submitter. Criteria: ACMG Guidelines, 2015. Collection method: clinical testing. Allele origin: germline.

PreventionGenetics, part of Exact Sciences
Classification: Likely benign for CNGB1-related condition. Last evaluated: 2019-05-14. Review status: no assertion criteria provided. Collection method: clinical testing. Allele origin: germline. Not counted in ClinVar's aggregate classification.
Comment: This variant is classified as likely benign based on ACMG/AMP sequence variant interpretation guidelines (Richards et al. 2015 PMID: 25741868, with internal and published modifications).

NM_001297.5(CNGB1):c.3693G>A (p.Pro1231=)

Gene: CNGB1 (cyclic nucleotide gated channel subunit beta 1; minus strand). Cytogenetic location: 16q21.
Variant type: single nucleotide variant.
Coding change: c.3693G>A on transcript NM_001297.5 (MANE Select); coding-DNA position 3693, G replaced by A.
Protein change: p.Pro1231=; no amino-acid change (proline 1231 retained).
Molecular consequence: synonymous variant.
Genome position (GRCh38, 1-based): chr16:57,884,227, C>T on the plus strand (G>A on the coding strand, the complement: CNGB1 is on the minus strand). VCF-style: chr16-57884227-C-T. GRCh37 (hg19) VCF-style: chr16-57918131-C-T.
Other names: c.3675G>A, p.Pro1225= (NM_001286130.2); c.3693G>A (NM_001297.4).
Identifiers: ClinVar variation 1096172 (VCV001096172.12), dbSNP rs756850659, ClinGen allele CA8082473.